The following is an entry in ClinVar:

ClinVar aggregate classification (germline): Pathogenic (1 of 4 stars; one submission).

Conditions:
Hereditary cancer-predisposing syndrome. Also called: Tumor predisposition; Neoplastic Syndromes, Hereditary; Hereditary Cancer Syndrome; Hereditary neoplastic syndrome. Identifiers: Orphanet 140162, MedGen C0027672, MeSH D009386, MONDO:0015356.

Submission:

Ambry Genetics
Classification: Pathogenic for Hereditary cancer-predisposing syndrome. Last evaluated: 2024-12-30. Review status: criteria provided, single submitter. Criteria: Ambry Variant Classification Scheme 2023. Collection method: clinical testing. Allele origin: germline.
Comment: The c.1268_1270delGGG pathogenic mutation (also known as p.W423_E424delins*) is located in coding exon 8 of the MEN1 gene. This variant is considered to be rare based on population cohorts in the Genome Aggregation Database (gnomAD). In addition to the clinical data presented in the literature, this alteration is expected to result in loss of function by premature protein truncation or nonsense-mediated mRNA decay. As such, this alteration is interpreted as a disease-causing mutation.

NM_001370259.2(MEN1):c.1268_1270del (p.Trp423_Glu424delinsTer)

Gene: MEN1 (menin 1; minus strand). Cytogenetic location: 11q13.1.
Variant type: Deletion.
Coding change: c.1268_1270del on transcript NM_001370259.2 (MANE Select); coding-DNA positions 1268 to 1270, 3 bases deleted (GGG; older notation c.1268_1270delGGG).
Protein change: p.Trp423_Glu424delinsTer.
Molecular consequence: nonsense. On other transcripts: non-coding transcript variant (4), intron variant (1).
Genome position (GRCh38, 1-based): chr11:64,805,114-64,805,116, CCC deleted on the plus strand (GGG on the coding strand, the reverse complement: MEN1 is on the minus strand). VCF-style (leftmost placement, unchanged base first): chr11-64805113-TCCC-T. GRCh37 (hg19) VCF-style: chr11-64572585-TCCC-T.
Other names: c.1283_1285del, p.Trp428_Glu429delinsTer (NM_000244.4, NM_001407145.1, NM_130800.3 and 4 more transcripts); c.1394_1396del, p.Trp465_Glu466delinsTer (NM_001370251.2, NM_001407142.1, NM_001407143.1 and 1 more transcripts); c.1268_1270del, p.Trp423_Glu424delinsTer (NM_001370260.2, NM_001370261.2, NM_001407146.1 and 2 more transcripts); c.1163_1165del, p.Trp388_Glu389delinsTer (NM_001370262.2, NM_001370263.2, NM_001407148.1 and 1 more transcripts); c.1409_1411del, p.Trp470_Glu471delinsTer (NM_001407150.1); c.1289_1291del, p.Trp430_Glu431delinsTer (NM_001407151.1); c.1186-300_1186-298del (NM_001407152.1).
Identifiers: ClinVar variation 3872239 (VCV003872239.1).